The following is an entry in ClinVar:

ClinVar aggregate classification (germline): Benign. Review status: criteria provided, multiple submitters, no conflicts (2 of 4 stars). 4 submissions from 4 submitters: Benign (3). 1 of the submissions does not count toward it. Last evaluated 2026-02-03.

Conditions:
LRRC56-related disorder. Also called: LRRC56-related condition.

Allele frequency attached by ClinVar (database versions not stated): 1000 Genomes Project 0.02756; gnomAD 0.03981 and 0.03896; gnomAD exomes 0.03575; 1000 Genomes Project 30x 0.02701; ESP Exome Variant Server 0.03467; ExAC 0.04284.
gnomAD v4.1: 59,351 of 1,546,580 alleles (3.8%); highest among the groups gnomAD compares: Middle Eastern, 8.9%; 1,292 homozygotes.

Submissions (4):

Labcorp Genetics (formerly Invitae), Labcorp
Classification: Benign. Last evaluated: 2026-02-03. Review status: criteria provided, single submitter. Criteria: Invitae Variant Classification Sherloc (09022015). Collection method: clinical testing. Allele origin: germline.

GeneDx
Classification: Benign. Last evaluated: 2021-05-04. Review status: criteria provided, single submitter. Criteria: GeneDx Variant Classification Process June 2021. Collection method: clinical testing. Allele origin: germline. Affected: yes.

Breakthrough Genomics
Classification: Benign. Review status: criteria provided, single submitter. Criteria: ACMG Guidelines, 2015. Collection method: not provided. Allele origin: germline. Inheritance: Autosomal recessive inheritance. Affected: yes.

PreventionGenetics, part of Exact Sciences
Classification: Benign for LRRC56-related condition. Last evaluated: 2019-03-20. Review status: no assertion criteria provided. Collection method: clinical testing. Allele origin: germline. Not counted in ClinVar's aggregate classification.
Comment: This variant is classified as benign based on ACMG/AMP sequence variant interpretation guidelines (Richards et al. 2015 PMID: 25741868, with internal and published modifications).

NM_198075.4(LRRC56):c.698C>T (p.Pro233Leu)

Gene: LRRC56 (leucine rich repeat containing 56; plus strand). Cytogenetic location: 11p15.5.
Variant type: single nucleotide variant.
Coding change: c.698C>T on transcript NM_198075.4 (MANE Select); coding-DNA position 698, C replaced by T.
Protein change: p.Pro233Leu; replaces proline 233 with leucine.
Molecular consequence: missense variant.
Genome position (GRCh38, 1-based): chr11:551,204, C>T. VCF-style: chr11-551204-C-T. GRCh37 (hg19) VCF-style: chr11-551204-C-T.
Other names: short protein forms P233L.
Identifiers: ClinVar variation 1280646 (VCV001280646.12), dbSNP rs118033321, ClinGen allele CA5779796.